The following is an entry in ClinVar:

NM_000036.3(AMPD1):c.1813C>T (p.Gln605Ter)

Gene: AMPD1 (adenosine monophosphate deaminase 1; minus strand). Cytogenetic location: 1p13.2.
Variant type: single nucleotide variant.
Coding change: c.1813C>T on transcript NM_000036.3 (MANE Select); coding-DNA position 1813, C replaced by T.
Protein change: p.Gln605Ter; replaces glutamine 605 with a stop codon.
Molecular consequence: nonsense.
Genome position (GRCh38, 1-based): chr1:114,674,070, G>A on the plus strand (C>T on the coding strand, the complement: AMPD1 is on the minus strand). VCF-style: chr1-114674070-G-A. GRCh37 (hg19) VCF-style: chr1-115216691-G-A.
Other names: c.1801C>T, p.Gln601Ter (NM_001172626.2); short protein forms Q601*, Q605*.
Identifiers: ClinVar variation 1440482 (VCV001440482.6), dbSNP rs1354176888, ClinGen allele CA341745179.

ClinVar aggregate classification (germline): Uncertain significance (1 of 4 stars; one submission).

Conditions:
Muscle AMP deaminase deficiency (MMDD). Also called: Myoadenylate deaminase deficiency, myopathy due to; Adenosine monophosphate deaminase 1 deficiency; AMP deaminase 1 deficiency; Adenosine Monophosphate Deaminase 1; ADENOSINE MONOPHOSPHATE DEAMINASE-1 DEFICIENCY, MYOPATHY DUE TO; AMPD1 DEFICIENCY. Identifiers: Orphanet 45, MedGen C3714933, MONDO:0014220, OMIM 615511.

gnomAD v4.1: 2 of 1,613,738 alleles (0.00012%); highest among the groups gnomAD compares: African/African-American, 0.0013%; no homozygotes.

Submission:

Labcorp Genetics (formerly Invitae), Labcorp
Classification: Uncertain significance for Muscle AMP deaminase deficiency. Last evaluated: 2021-12-09. Review status: criteria provided, single submitter. Criteria: Invitae Variant Classification Sherloc (09022015). Collection method: clinical testing. Allele origin: germline.
Comment: In summary, the available evidence is currently insufficient to determine the role of this variant in disease. Therefore, it has been classified as a Variant of Uncertain Significance. This variant has not been reported in the literature in individuals affected with AMPD1-related conditions. This variant is not present in population databases (gnomAD no frequency). This sequence change creates a premature translational stop signal (p.Gln638*) in the AMPD1 gene. It is expected to result in an absent or disrupted protein product. However, the current clinical and genetic evidence is not sufficient to establish whether loss-of-function variants in AMPD1 cause disease.